The following is an entry in ClinVar:

NM_153717.3(EVC):c.2601A>G (p.Pro867=)

Gene: EVC (EvC ciliary complex subunit 1; plus strand). Cytogenetic location: 4p16.2.
Variant type: single nucleotide variant.
Coding change: c.2601A>G on transcript NM_153717.3 (MANE Select); coding-DNA position 2601, A replaced by G.
Protein change: p.Pro867=; no amino-acid change (proline 867 retained).
Molecular consequence: synonymous variant.
Genome position (GRCh38, 1-based): chr4:5,808,240, A>G. VCF-style: chr4-5808240-A-G. GRCh37 (hg19) VCF-style: chr4-5809967-A-G.
Other names: c.2601A>G, p.Pro867= (NM_001306090.2).
Identifiers: ClinVar variation 3772203 (VCV003772203.13).

ClinVar aggregate classification (germline): Likely benign (1 of 4 stars; one submission).

gnomAD v4.1: 1 of 1,601,164 alleles (0.000062%); highest among the groups gnomAD compares: Non-Finnish European, 0.000085%; no homozygotes.

Submission:

CeGaT Center for Human Genetics Tuebingen
Classification: Likely benign. Last evaluated: 2024-12-01. Review status: criteria provided, single submitter. Criteria: CeGaT Center For Human Genetics Tuebingen Variant Classification Criteria Version 2. Collection method: clinical testing. Allele origin: germline. Affected: yes. Observed: 1 variant allele.
Comment: EVC: BP4, BP7